The following is an entry in ClinVar:

NM_000260.4(MYO7A):c.4225del (p.Leu1409fs)

Gene: MYO7A (myosin VIIA; plus strand). Cytogenetic location: 11q13.5.
Variant type: Deletion.
Coding change: c.4225del on transcript NM_000260.4 (MANE Select); coding-DNA position 4225, one base deleted (C; older notation c.4225delC).
Protein change: p.Leu1409fs; shifts the reading frame from leucine 1409.
Molecular consequence: frameshift variant.
Genome position (GRCh38, 1-based): chr11:77,194,426, C deleted; the last of 2 consecutive C bases (chr11:77,194,425-77,194,426); deleting either gives the same sequence. VCF-style (leftmost placement, unchanged base first): chr11-77194424-GC-G. GRCh37 (hg19) VCF-style: chr11-76905469-GC-G.
Other names: c.4225del, p.Leu1409fs (NM_001127180.2); c.4192del, p.Leu1398fs (NM_001369365.1); short protein forms L1409fs, L1398fs.
Identifiers: ClinVar variation 498918 (VCV000498918.8), dbSNP rs1398609491, ClinGen allele CA658797711.

ClinVar aggregate classification (germline): Pathogenic. Review status: criteria provided, multiple submitters, no conflicts (2 of 4 stars). 2 submissions from 2 submitters: Pathogenic (2). Last evaluated 2023-02-23.

Submissions (2):

Labcorp Genetics (formerly Invitae), Labcorp
Classification: Pathogenic. Last evaluated: 2023-02-23. Review status: criteria provided, single submitter. Criteria: Invitae Variant Classification Sherloc (09022015). Collection method: clinical testing. Allele origin: germline.
Comment: For these reasons, this variant has been classified as Pathogenic. ClinVar contains an entry for this variant (Variation ID: 498918). This variant has not been reported in the literature in individuals affected with MYO7A-related conditions. This variant is not present in population databases (gnomAD no frequency). This sequence change creates a premature translational stop signal (p.Leu1409Serfs*2) in the MYO7A gene. It is expected to result in an absent or disrupted protein product. Loss-of-function variants in MYO7A are known to be pathogenic (PMID: 8900236, 25404053).

Eurofins Ntd Llc (ga)
Classification: Pathogenic. Last evaluated: 2016-12-20. Review status: criteria provided, single submitter. Criteria: EGL Classification Definitions 2015. Collection method: clinical testing. Allele origin: germline. Observed: 2 variant alleles, 2 heterozygotes.

Literature cited by the submitters: PubMed 8900236 (cited by Labcorp Genetics (formerly Invitae), Labcorp); PubMed 25404053 (cited by Labcorp Genetics (formerly Invitae), Labcorp).